The following is an entry in ClinVar:

NM_000038.6(APC):c.2333A>C (p.Asn778Thr)

Gene: APC (APC regulator of Wnt signaling pathway; plus strand). Cytogenetic location: 5q22.2.
Variant type: single nucleotide variant.
Coding change: c.2333A>C on transcript NM_000038.6 (MANE Select); coding-DNA position 2333, A replaced by C.
Protein change: p.Asn778Thr; replaces asparagine 778 with threonine.
Molecular consequence: missense variant.
Genome position (GRCh38, 1-based): chr5:112,837,927, A>C. VCF-style: chr5-112837927-A-C. GRCh37 (hg19) VCF-style: chr5-112173624-A-C.
Other names: c.2333A>C, p.Asn778Thr (NM_001127510.3, NM_001354895.2); c.2279A>C, p.Asn760Thr (NM_001127511.3); c.2387A>C, p.Asn796Thr (NM_001354896.2); c.2363A>C, p.Asn788Thr (NM_001354897.2); c.2258A>C, p.Asn753Thr (NM_001354898.2); c.2249A>C, p.Asn750Thr (NM_001354899.2); c.2210A>C, p.Asn737Thr (NM_001354900.2); c.2156A>C, p.Asn719Thr (NM_001354901.2); and 5 more; short protein forms N687T, N719T, N750T, N760T, N778T, N677T, N788T, N796T.
Identifiers: ClinVar variation 967496 (VCV000967496.11), dbSNP rs753274177, ClinGen allele CA16026451.

ClinVar aggregate classification (germline): Uncertain significance (1 of 4 stars; one submission).

Conditions:
Familial adenomatous polyposis 1 (FAP1). Also called: POLYPOSIS, ADENOMATOUS INTESTINAL; FAMILIAL ADENOMATOUS POLYPOSIS 1, ATTENUATED. Identifiers: MedGen C2713442, MONDO:0021056, OMIM 175100. Disease mechanism: loss of function.

Submission:

Labcorp Genetics (formerly Invitae), Labcorp
Classification: Uncertain significance for Familial adenomatous polyposis 1. Last evaluated: 2022-07-19. Review status: criteria provided, single submitter. Criteria: Invitae Variant Classification Sherloc (09022015). Collection method: clinical testing. Allele origin: germline.
Comment: In summary, the available evidence is currently insufficient to determine the role of this variant in disease. Therefore, it has been classified as a Variant of Uncertain Significance. Algorithms developed to predict the effect of missense changes on protein structure and function are either unavailable or do not agree on the potential impact of this missense change (SIFT: "Deleterious"; PolyPhen-2: "Possibly Damaging"; Align-GVGD: "Class C0"). ClinVar contains an entry for this variant (Variation ID: 967496). This variant has not been reported in the literature in individuals affected with APC-related conditions. This variant is not present in population databases (gnomAD no frequency). This sequence change replaces asparagine, which is neutral and polar, with threonine, which is neutral and polar, at codon 778 of the APC protein (p.Asn778Thr).